The following is an entry in ClinVar:

ClinVar aggregate classification (germline): Uncertain significance. Review status: criteria provided, multiple submitters, no conflicts (2 of 4 stars). 2 submissions from 2 submitters: Uncertain significance (2). Last evaluated 2025-08-10.

Conditions:
Hereditary cancer-predisposing syndrome. Also called: Neoplastic Syndromes, Hereditary; Hereditary neoplastic syndrome; Hereditary Cancer Syndrome; Tumor predisposition. Identifiers: Orphanet 140162, MedGen C0027672, MeSH D009386, MONDO:0015356.
Familial cancer of breast. Also called: Hereditary breast cancer; BREAST CANCER, FAMILIAL; hereditary breast carcinoma. Identifiers: Orphanet 227535, MedGen C0346153, MONDO:0016419, OMIM 114480. Disease mechanism: loss of function.

Submissions (2):

Ambry Genetics
Classification: Uncertain significance for Hereditary cancer-predisposing syndrome. Last evaluated: 2025-08-10. Review status: criteria provided, single submitter. Criteria: Ambry Variant Classification Scheme 2023. Collection method: clinical testing. Allele origin: germline.
Comment: The p.E225V variant (also known as c.674A>T), located in coding exon 4 of the BARD1 gene, results from an A to T substitution at nucleotide position 674. The glutamic acid at codon 225 is replaced by valine, an amino acid with dissimilar properties. This amino acid position is conserved. In addition, this alteration is predicted to be tolerated by in silico analysis. Since supporting evidence is limited at this time, the clinical significance of this alteration remains unclear.

Labcorp Genetics (formerly Invitae), Labcorp
Classification: Uncertain significance for Familial cancer of breast. Last evaluated: 2022-01-10. Review status: criteria provided, single submitter. Criteria: Invitae Variant Classification Sherloc (09022015). Collection method: clinical testing. Allele origin: germline.
Comment: Algorithms developed to predict the effect of sequence changes on RNA splicing suggest that this variant may create or strengthen a splice site. Algorithms developed to predict the effect of missense changes on protein structure and function are either unavailable or do not agree on the potential impact of this missense change (SIFT: "Deleterious"; PolyPhen-2: "Benign"; Align-GVGD: "Class C15"). This variant has not been reported in the literature in individuals affected with BARD1-related conditions. This variant is not present in population databases (gnomAD no frequency). This sequence change replaces glutamic acid, which is acidic and polar, with valine, which is neutral and non-polar, at codon 225 of the BARD1 protein (p.Glu225Val). In summary, the available evidence is currently insufficient to determine the role of this variant in disease. Therefore, it has been classified as a Variant of Uncertain Significance.

NM_000465.4(BARD1):c.674A>T (p.Glu225Val)

Gene: BARD1 (BRCA1 associated RING domain 1; minus strand). Cytogenetic location: 2q35.
Variant type: single nucleotide variant.
Coding change: c.674A>T on transcript NM_000465.4 (MANE Select); coding-DNA position 674, A replaced by T.
Protein change: p.Glu225Val; replaces glutamic acid 225 with valine.
Molecular consequence: missense variant. On other transcripts: non-coding transcript variant (2), intron variant (3).
Genome position (GRCh38, 1-based): chr2:214,781,200, T>A on the plus strand (A>T on the coding strand, the complement: BARD1 is on the minus strand). VCF-style: chr2-214781200-T-A. GRCh37 (hg19) VCF-style: chr2-215645924-T-A.
Other names: c.674A>T (NM_000465.2); c.617A>T, p.Glu206Val (NM_001282543.2); c.158+28212A>T (NM_001282548.2); c.215+15861A>T (NM_001282545.2); c.364+11097A>T (NM_001282549.2); short protein forms E206V, E225V.
Identifiers: ClinVar variation 2427059 (VCV002427059.10), dbSNP rs769611057, ClinGen allele CA350456473.